The following is an entry in ClinVar:

NM_005159.5(ACTC1):c.130-11dup

Genes: ACTC1 (actin alpha cardiac muscle 1; minus strand), GJD2-DT (GJD2 divergent transcript; plus strand). Cytogenetic location: 15q14.
Variant type: Duplication.
Coding change: c.130-11dup on transcript NM_005159.5 (MANE Select); 11 bases into the intron before coding-DNA position 130, one base duplicated (T; older notation c.130-11dupT).
Molecular consequence: intron variant.
Genome position (GRCh38, 1-based): chr15:34,793,580, A duplicated on the plus strand (T on the coding strand, the reverse complement: ACTC1 is on the minus strand); the first of 6 consecutive A bases (chr15:34,793,580-34,793,585); duplicating any one gives the same sequence. VCF-style (leftmost placement, unchanged base first): chr15-34793579-G-GA. GRCh37 (hg19) VCF-style: chr15-35085780-G-GA.
Identifiers: ClinVar variation 1634056 (VCV001634056.11), dbSNP rs2140432284, ClinGen allele CA617555397.
Genomic context (GRCh38, chr15:34,793,579, plus strand): 5'-GGCTTCATCACCTACGTAGGAGTCCTTCTGACCCATACCCACCATAACTCCCTATGAGAA[G>GA]AAAAAATGAGAAAATCATGCTCTCACCATGTCAGGAATATAATCAGTGTCTTGTCCATTT-3'

ClinVar aggregate classification (germline): Conflicting classifications of pathogenicity. Review status: criteria provided, conflicting classifications (1 of 4 stars). 3 submissions from 3 submitters: Uncertain significance (2); Benign (1). Last evaluated 2025-06-15.

Conditions:
Dilated cardiomyopathy 1R (CMD1R). Identifiers: Orphanet 154, Orphanet 54260, MedGen C3150681, MONDO:0013261, OMIM 613424.
Hypertrophic cardiomyopathy 11. Also called: ACTC1-Related Familial Hypertrophic Cardiomyopathy. Identifiers: MedGen C2677506, MONDO:0012799, OMIM 612098.
Atrial septal defect 5 (ASD5). Identifiers: Orphanet 1478, MedGen C2748552, MONDO:0013011, OMIM 612794.
Cardiomyopathy (CMYO). Also called: Cardiomyopathies. Identifiers: Orphanet 167848, MedGen C0878544, MONDO:0004994, HP:0001638. Inheritance: Various modes of inheritance.

Submissions (3):

Labcorp Genetics (formerly Invitae), Labcorp
Classification: Benign for Dilated cardiomyopathy 1R; Hypertrophic cardiomyopathy 11; Atrial septal defect 5. Last evaluated: 2025-06-15. Review status: criteria provided, single submitter. Criteria: Invitae Variant Classification Sherloc (09022015). Collection method: clinical testing. Allele origin: germline.

Color Diagnostics, LLC DBA Color Health
Classification: Uncertain significance for Cardiomyopathy. Last evaluated: 2023-09-05. Review status: criteria provided, single submitter. Criteria: ACMG Guidelines, 2015. Collection method: clinical testing. Allele origin: germline.
Comment: This variant causes a duplication of one nucleotide in intron 2 of the ACTC1 gene. To our knowledge, functional studies have not been reported for this variant. This variant has not been reported in individuals affected with ACTC1-related disorders in the literature. This variant has not been identified in the general population by the Genome Aggregation Database (gnomAD). The available evidence is insufficient to determine the role of this variant in disease conclusively. Therefore, this variant is classified as a Variant of Uncertain Significance.

Blueprint Genetics
Classification: Uncertain significance. Last evaluated: 2017-10-25. Review status: criteria provided, single submitter. Criteria: ACMG Guidelines, 2015. Collection method: clinical testing. Allele origin: germline.